The following is an entry in ClinVar:

NM_153704.6(TMEM67):c.619C>T (p.Arg207Cys)

Gene: TMEM67 (transmembrane protein 67; plus strand). Cytogenetic location: 8q22.1.
Variant type: single nucleotide variant.
Coding change: c.619C>T on transcript NM_153704.6 (MANE Select); coding-DNA position 619, C replaced by T.
Protein change: p.Arg207Cys; replaces arginine 207 with cysteine.
Molecular consequence: missense variant. On other transcripts: non-coding transcript variant (1).
Genome position (GRCh38, 1-based): chr8:93,765,614, C>T. VCF-style: chr8-93765614-C-T. GRCh37 (hg19) VCF-style: chr8-94777842-C-T.
Other names: c.376C>T, p.Arg126Cys (NM_001142301.1); short protein forms R126C, R207C.
Identifiers: ClinVar variation 2179585 (VCV002179585.3), dbSNP rs1327177322, ClinGen allele CA371687175.
Genomic context (GRCh38, chr8:93,765,614, plus strand): 5'-CCTCATTTATTTATGAAGACAGGGGGATTATGTTTCAGCAGCACAGGGAATTTTCCTCTA[C>T]GTAGAATTTCAGCTGCACGTTATGGAGAAGTTGTGAGTATGTTTCAATTTTTTTGTTCTG-3'
Protein context (NP_714915.3, residues 197-217): CFSSTGNFPL[Arg207Cys]RISAARYGEV

ClinVar aggregate classification (germline): Uncertain significance (1 of 4 stars; one submission).

Conditions:
Joubert syndrome. Also called: CEREBELLOPARENCHYMAL DISORDER IV; JOUBERT-BOLTSHAUSER SYNDROME; Familial aplasia of the vermis. Identifiers: Orphanet 475, MedGen C5979921, MONDO:0018772.
Meckel-Gruber syndrome. Also called: DYSENCEPHALIA SPLANCHNOCYSTICA; GRUBER SYNDROME; Dysencephalia splachnocystica. Identifiers: Orphanet 564, MedGen C0265215, MONDO:0018921.

Allele frequency attached by ClinVar (database versions not stated): gnomAD 0.00001.
gnomAD v4.1: 16 of 1,613,006 alleles (0.00099%); highest among the groups gnomAD compares: Middle Eastern, 0.016%; no homozygotes.

Submission:

Labcorp Genetics (formerly Invitae), Labcorp
Classification: Uncertain significance for Joubert syndrome; Meckel-Gruber syndrome. Last evaluated: 2024-12-16. Review status: criteria provided, single submitter. Criteria: Invitae Variant Classification Sherloc (09022015). Collection method: clinical testing. Allele origin: germline.
Comment: This sequence change replaces arginine, which is basic and polar, with cysteine, which is neutral and slightly polar, at codon 207 of the TMEM67 protein (p.Arg207Cys). This variant is present in population databases (no rsID available, gnomAD 0.003%). This variant has not been reported in the literature in individuals affected with TMEM67-related conditions. ClinVar contains an entry for this variant (Variation ID: 2179585). Invitae Evidence Modeling of protein sequence and biophysical properties (such as structural, functional, and spatial information, amino acid conservation, physicochemical variation, residue mobility, and thermodynamic stability) has been performed for this missense variant. However, the output from this modeling did not meet the statistical confidence thresholds required to predict the impact of this variant on TMEM67 protein function. Algorithms developed to predict the effect of sequence changes on RNA splicing suggest that this variant may disrupt the consensus splice site. In summary, the available evidence is currently insufficient to determine the role of this variant in disease. Therefore, it has been classified as a Variant of Uncertain Significance.